The following is an entry in ClinVar:

ClinVar aggregate classification (germline): Uncertain significance (1 of 4 stars; one submission).

Conditions:
Niemann-Pick disease, type C1. Also called: NEUROVISCERAL STORAGE DISEASE WITH VERTICAL SUPRANUCLEAR OPHTHALMOPLEGIA; NIEMANN-PICK DISEASE WITH CHOLESTEROL ESTERIFICATION BLOCK; NIEMANN-PICK DISEASE WITHOUT SPHINGOMYELINASE DEFICIENCY; NIEMANN-PICK DISEASE, CHRONIC NEURONOPATHIC FORM; NIEMANN-PICK DISEASE, VARIANT TYPE C1. Identifiers: Orphanet 646, MedGen C3179455, MONDO:0009757, OMIM 257220.

Allele frequency attached by ClinVar (database versions not stated): ExAC 0.00003.
gnomAD v4.1: 20 of 1,614,144 alleles (0.0012%); highest among the groups gnomAD compares: South Asian, 0.021%; no homozygotes.

Submission:

Labcorp Genetics (formerly Invitae), Labcorp
Classification: Uncertain significance for Niemann-Pick disease, type C1. Last evaluated: 2021-11-28. Review status: criteria provided, single submitter. Criteria: Invitae Variant Classification Sherloc (09022015). Collection method: clinical testing. Allele origin: germline.
Comment: This sequence change replaces valine, which is neutral and non-polar, with phenylalanine, which is neutral and non-polar, at codon 1125 of the NPC1 protein (p.Val1125Phe). This variant is present in population databases (rs770247765, gnomAD 0.03%). This variant has not been reported in the literature in individuals affected with NPC1-related conditions. Advanced modeling of protein sequence and biophysical properties (such as structural, functional, and spatial information, amino acid conservation, physicochemical variation, residue mobility, and thermodynamic stability) performed at Invitae indicates that this missense variant is not expected to disrupt NPC1 protein function. In summary, the available evidence is currently insufficient to determine the role of this variant in disease. Therefore, it has been classified as a Variant of Uncertain Significance.

NM_000271.5(NPC1):c.3373G>T (p.Val1125Phe)

Gene: NPC1 (NPC intracellular cholesterol transporter 1; minus strand). Cytogenetic location: 18q11.2.
Variant type: single nucleotide variant.
Coding change: c.3373G>T on transcript NM_000271.5 (MANE Select); coding-DNA position 3373, G replaced by T.
Protein change: p.Val1125Phe; replaces valine 1125 with phenylalanine.
Molecular consequence: missense variant.
Genome position (GRCh38, 1-based): chr18:23,535,573, C>A on the plus strand (G>T on the coding strand, the complement: NPC1 is on the minus strand). VCF-style: chr18-23535573-C-A. GRCh37 (hg19) VCF-style: chr18-21115537-C-A.
Other names: short protein forms V1125F.
Identifiers: ClinVar variation 2149278 (VCV002149278.1), dbSNP rs770247765, ClinGen allele CA8912790.